The following is an entry in ClinVar:

NM_021930.6(RINT1):c.1391A>G (p.Tyr464Cys)

Gene: RINT1 (RAD50 interactor 1; plus strand). Cytogenetic location: 7q22.3.
Variant type: single nucleotide variant.
Coding change: c.1391A>G on transcript NM_021930.6 (MANE Select); coding-DNA position 1391, A replaced by G.
Protein change: p.Tyr464Cys; replaces tyrosine 464 with cysteine.
Molecular consequence: missense variant. On other transcripts: non-coding transcript variant (1).
Genome position (GRCh38, 1-based): chr7:105,551,627, A>G. VCF-style: chr7-105551627-A-G. GRCh37 (hg19) VCF-style: chr7-105192074-A-G.
Other names: c.1157A>G, p.Tyr386Cys (NM_001346599.2); c.368A>G, p.Tyr123Cys (NM_001346600.2, NM_001346603.2); c.467A>G, p.Tyr156Cys (NM_001346601.2); short protein forms Y464C, Y123C, Y156C, Y386C.
Identifiers: ClinVar variation 1771556 (VCV001771556.7), dbSNP rs1790930954, ClinGen allele CA368810028.

ClinVar aggregate classification (germline): Uncertain significance. Review status: criteria provided, multiple submitters, no conflicts (2 of 4 stars). 2 submissions from 2 submitters: Uncertain significance (2). Last evaluated 2022-10-15.

Allele frequency attached by ClinVar (database versions not stated): gnomAD exomes 0.00001.
gnomAD v4.1: 8 of 1,612,150 alleles (0.0005%); highest among the groups gnomAD compares: African/African-American, 0.0013%; no homozygotes.

Submissions (2):

Ambry Genetics
Classification: Uncertain significance. Last evaluated: 2022-10-15. Review status: criteria provided, single submitter. Criteria: Ambry Variant Classification Scheme 2023. Collection method: clinical testing. Allele origin: germline.
Comment: The p.Y464C variant (also known as c.1391A>G), located in coding exon 10 of the RINT1 gene, results from an A to G substitution at nucleotide position 1391. The tyrosine at codon 464 is replaced by cysteine, an amino acid with highly dissimilar properties. This amino acid position is conserved. In addition, this alteration is predicted to be deleterious by in silico analysis. Since supporting evidence is limited at this time, the clinical significance of this alteration remains unclear.

Labcorp Genetics (formerly Invitae), Labcorp
Classification: Uncertain significance. Last evaluated: 2022-10-03. Review status: criteria provided, single submitter. Criteria: Invitae Variant Classification Sherloc (09022015). Collection method: clinical testing. Allele origin: germline.
Comment: This variant has not been reported in the literature in individuals affected with RINT1-related conditions. This variant is not present in population databases (gnomAD no frequency). This sequence change replaces tyrosine, which is neutral and polar, with cysteine, which is neutral and slightly polar, at codon 464 of the RINT1 protein (p.Tyr464Cys). Algorithms developed to predict the effect of missense changes on protein structure and function are either unavailable or do not agree on the potential impact of this missense change (SIFT: "Tolerated"; PolyPhen-2: "Probably Damaging"; Align-GVGD: "Class C0"). In summary, the available evidence is currently insufficient to determine the role of this variant in disease. Therefore, it has been classified as a Variant of Uncertain Significance.